The following is an entry in ClinVar:

ClinVar aggregate classification (germline): Uncertain significance (1 of 4 stars; one submission).

Submission:

GeneDx
Classification: Uncertain significance. Last evaluated: 2025-07-05. Review status: criteria provided, single submitter. Criteria: GeneDx Variant Classification Process June 2021. Collection method: clinical testing. Allele origin: germline. Affected: yes.
Comment: Not observed at significant frequency in large population cohorts (gnomAD); In silico analysis supports that this missense variant has a deleterious effect on protein structure/function; Has not been previously published as pathogenic or benign to our knowledge

NM_015466.4(PTPN23):c.4526C>G (p.Pro1509Arg)

Gene: PTPN23 (protein tyrosine phosphatase non-receptor type 23; plus strand). Cytogenetic location: 3p21.31.
Variant type: single nucleotide variant.
Coding change: c.4526C>G on transcript NM_015466.4 (MANE Select); coding-DNA position 4526, C replaced by G.
Protein change: p.Pro1509Arg; replaces proline 1509 with arginine.
Molecular consequence: missense variant.
Genome position (GRCh38, 1-based): chr3:47,412,800, C>G. VCF-style: chr3-47412800-C-G. GRCh37 (hg19) VCF-style: chr3-47454290-C-G.
Other names: c.4148C>G, p.Pro1383Arg (NM_001304482.2); short protein forms P1383R, P1509R.
Identifiers: ClinVar variation 4681159 (VCV004681159.1).
Genomic context (GRCh38, chr3:47,412,800, plus strand): 5'-TCGGTGGGGATGTGCCCATCAGCTCCATCCAGGCCACCATTGCCAAGCTCAGCATTCGGC[C>G]TCCTGGGGGGTTGGAGTCCCCGGTTGCCAGCTTGCCAGGCCCTGCAGAGCCCCCAGGCCT-3'
Protein context (NP_056281.1, residues 1499-1519): QATIAKLSIR[Pro1509Arg]PGGLESPVAS